The following is an entry in ClinVar:

ClinVar aggregate classification (germline): Uncertain significance. Review status: criteria provided, multiple submitters, no conflicts (2 of 4 stars). 2 submissions from 2 submitters: Uncertain significance (2). Last evaluated 2022-03-23.

Conditions:
Mitochondrial complex II deficiency, nuclear type 1. Also called: SUCCINATE CoQ REDUCTASE DEFICIENCY. Identifiers: Orphanet 3208, MedGen C5700310, MONDO:0100294, OMIM 252011.
Pheochromocytoma/paraganglioma syndrome 5. Also called: SDHA-Related Hereditary Paraganglioma-Pheochromocytoma Syndrome; Paragangliomas 5. Identifiers: Orphanet 29072, MedGen C3279992, MONDO:0013602, OMIM 614165.

Submissions (2):

Labcorp Genetics (formerly Invitae), Labcorp
Classification: Uncertain significance for Pheochromocytoma/paraganglioma syndrome 5; Mitochondrial complex II deficiency, nuclear type 1. Last evaluated: 2022-03-23. Review status: criteria provided, single submitter. Criteria: Invitae Variant Classification Sherloc (09022015). Collection method: clinical testing. Allele origin: germline.
Comment: Algorithms developed to predict the effect of missense changes on protein structure and function are either unavailable or do not agree on the potential impact of this missense change (SIFT: "Tolerated"; PolyPhen-2: "Probably Damaging"; Align-GVGD: "Class C0"). ClinVar contains an entry for this variant (Variation ID: 422566). This variant has not been reported in the literature in individuals affected with SDHA-related conditions. This variant is not present in population databases (gnomAD no frequency). This sequence change replaces glycine, which is neutral and non-polar, with serine, which is neutral and polar, at codon 448 of the SDHA protein (p.Gly448Ser). Algorithms developed to predict the effect of sequence changes on RNA splicing suggest that this variant may create or strengthen a splice site. In summary, the available evidence is currently insufficient to determine the role of this variant in disease. Therefore, it has been classified as a Variant of Uncertain Significance.

GeneDx
Classification: Uncertain significance. Last evaluated: 2016-10-19. Review status: criteria provided, single submitter. Criteria: GeneDx Variant Classification (06012015). Collection method: clinical testing. Allele origin: germline. Affected: yes.
Comment: This variant is denoted SDHA c.1342G>A at the cDNA level, p.Gly448Ser (G448S) at the protein level, and results in the change of a Glycine to a Serine (GGT>AGT). This variant has not, to our knowledge, been published in the literature as pathogenic or benign. SDHA Gly448Ser was not observed in approximately 6,500 individuals of European and African American ancestry in the NHLBI Exome Sequencing Project, suggesting it is not a common benign variant in these populations. Since Glycine and Serine differ in polarity, charge, size or other properties, this is considered a non-conservative amino acid substitution. SDHA Gly448Ser occurs at a position that is conserved across species and is not located in a known functional domain (UniProt). In silico analyses predict that this variant is probably damaging to protein structure and function. Based on currently available evidence, it is unclear whether SDHA Gly448Ser is a pathogenic or benign variant. We consider it to be a variant of uncertain significance.

NM_004168.4(SDHA):c.1342G>A (p.Gly448Ser)

Gene: SDHA (succinate dehydrogenase complex flavoprotein subunit A; plus strand). Cytogenetic location: 5p15.33.
Variant type: single nucleotide variant.
Coding change: c.1342G>A on transcript NM_004168.4 (MANE Select); coding-DNA position 1342, G replaced by A.
Protein change: p.Gly448Ser; replaces glycine 448 with serine.
Molecular consequence: missense variant.
Genome position (GRCh38, 1-based): chr5:236,509, G>A. VCF-style: chr5-236509-G-A. GRCh37 (hg19) VCF-style: chr5-236624-G-A.
Other names: c.1198G>A, p.Gly400Ser (NM_001294332.2); c.1342G>A, p.Gly448Ser (NM_001330758.2); short protein forms G448S, G400S.
Identifiers: ClinVar variation 422566 (VCV000422566.10), dbSNP rs1064795863, ClinGen allele CA16618196.